The following is an entry in ClinVar:

NM_003070.5(SMARCA2):c.1962G>A (p.Gln654=)

Gene: SMARCA2 (SWI/SNF related BAF chromatin remodeling complex subunit ATPase 2; plus strand). Cytogenetic location: 9p24.3.
Variant type: single nucleotide variant.
Coding change: c.1962G>A on transcript NM_003070.5 (MANE Select); coding-DNA position 1962, G replaced by A.
Protein change: p.Gln654=; no amino-acid change (glutamine 654 retained).
Molecular consequence: synonymous variant.
Genome position (GRCh38, 1-based): chr9:2,076,255, G>A. VCF-style: chr9-2076255-G-A. GRCh37 (hg19) VCF-style: chr9-2076255-G-A.
Other names: c.1962G>A, p.Gln654= (NM_001289396.2, NM_001289397.2, NM_139045.4).
Identifiers: ClinVar variation 366210 (VCV000366210.38), dbSNP rs151212782, ClinGen allele CA4963334.

ClinVar aggregate classification (germline): Benign/Likely benign. Review status: criteria provided, multiple submitters, no conflicts (2 of 4 stars). 8 submissions from 8 submitters: Benign (6); Likely benign (1). 1 of the submissions does not count toward it. Last evaluated 2026-01-05.

Conditions:
SMARCA2-related disorder. Also called: SMARCA2-related condition.
Inborn genetic diseases. Identifiers: MedGen C0950123, MeSH D030342.
Nicolaides-Baraitser syndrome (NCBRS). Also called: Intellectual disability-sparse hair-brachydactyly syndrome; SMARCA2-Related Nicolaides-Baraitser Syndrome. Identifiers: Orphanet 3051, MedGen C1303073, MONDO:0011053, OMIM 601358.

Allele frequency attached by ClinVar (database versions not stated): 1000 Genomes Project 0.00040; TOPMed 0.00049; gnomAD 0.00050 and 0.00058; gnomAD exomes 0.00053 and 0.00062; ExAC 0.00067; ESP Exome Variant Server 0.00077; 1000 Genomes Project 30x 0.00078.
gnomAD v4.1: 857 of 1,610,702 alleles (0.053%); highest among the groups gnomAD compares: Middle Eastern, 0.066%; no homozygotes.

Submissions (8):

Labcorp Genetics (formerly Invitae), Labcorp
Classification: Benign. Last evaluated: 2026-01-05. Review status: criteria provided, single submitter. Criteria: Invitae Variant Classification Sherloc (09022015). Collection method: clinical testing. Allele origin: germline.

CeGaT Center for Human Genetics Tuebingen
Classification: Benign. Last evaluated: 2025-09-01. Review status: criteria provided, single submitter. Criteria: CeGaT Center For Human Genetics Tuebingen Variant Classification Criteria Version 2. Collection method: clinical testing. Allele origin: germline. Affected: yes. Observed: 3 variant alleles.
Comment: SMARCA2: BP4, BS1, BS2

Blueprint Genetics
Classification: Likely benign. Last evaluated: 2024-11-21. Review status: criteria provided, single submitter. Criteria: ACMG Guidelines, 2015. Collection method: clinical testing. Allele origin: germline.

ARUP Laboratories, Molecular Genetics and Genomics, ARUP Laboratories
Classification: Benign. Last evaluated: 2024-08-29. Review status: criteria provided, single submitter. Criteria: ARUP Molecular Germline Variant Investigation Process 2024. Collection method: clinical testing. Allele origin: germline.

GeneDx
Classification: Benign. Last evaluated: 2020-03-31. Review status: criteria provided, single submitter. Criteria: GeneDx Variant Classification Process June 2021. Collection method: clinical testing. Allele origin: germline. Affected: yes.

Ambry Genetics
Classification: Benign for Inborn genetic diseases. Last evaluated: 2019-07-02. Review status: criteria provided, single submitter. Criteria: Ambry Variant Classification Scheme 2023. Collection method: clinical testing. Allele origin: germline.

Illumina Laboratory Services, Illumina
Classification: Benign for Nicolaides-Baraitser syndrome. Last evaluated: 2018-01-13. Review status: criteria provided, single submitter. Criteria: ICSL Variant Classification Criteria 13 December 2019. Collection method: clinical testing. Allele origin: germline.
Comment: This variant was observed in the ICSL laboratory as part of a predisposition screen in an ostensibly healthy population. It had not been previously curated by ICSL or reported in the Human Gene Mutation Database (HGMD: prior to June 1st, 2018), and was therefore a candidate for classification through an automated scoring system. Utilizing variant allele frequency, disease prevalence and penetrance estimates, and inheritance mode, an automated score was calculated to assess if this variant is too frequent to cause the disease. Based on the score and internal cut-off values, a variant classified as benign is not then subjected to further curation. The score for this variant resulted in a classification of benign for this disease.

PreventionGenetics, part of Exact Sciences
Classification: Likely benign for SMARCA2-related condition. Last evaluated: 2019-03-06. Review status: no assertion criteria provided. Collection method: clinical testing. Allele origin: germline. Not counted in ClinVar's aggregate classification.
Comment: This variant is classified as likely benign based on ACMG/AMP sequence variant interpretation guidelines (Richards et al. 2015 PMID: 25741868, with internal and published modifications).